The following is an entry in ClinVar:

ClinVar aggregate classification (germline): Uncertain significance (1 of 4 stars; one submission).

Submission:

GeneDx
Classification: Uncertain significance. Last evaluated: 2025-04-11. Review status: criteria provided, single submitter. Criteria: GeneDx Variant Classification Process June 2021. Collection method: clinical testing. Allele origin: germline. Affected: yes.
Comment: Not observed at significant frequency in large population cohorts (gnomAD); In silico analysis supports that this missense variant has a deleterious effect on protein structure/function; Has not been previously published as pathogenic or benign to our knowledge

NM_181552.4(CUX1):c.953A>G (p.Glu318Gly)

Gene: CUX1 (cut like homeobox 1; plus strand). Cytogenetic location: 7q22.1.
Variant type: single nucleotide variant.
Coding change: c.953A>G on transcript NM_181552.4 (MANE Select); coding-DNA position 953, A replaced by G.
Protein change: p.Glu318Gly; replaces glutamic acid 318 with glycine.
Molecular consequence: missense variant.
Genome position (GRCh38, 1-based): chr7:102,178,593, A>G. VCF-style: chr7-102178593-A-G. GRCh37 (hg19) VCF-style: chr7-101821873-A-G.
Other names: c.986A>G, p.Glu329Gly (NM_001202543.2, NM_001913.5); c.938A>G, p.Glu313Gly (NM_001202544.3); c.848A>G, p.Glu283Gly (NM_001202545.3); c.869A>G, p.Glu290Gly (NM_001202546.3); c.980A>G, p.Glu327Gly (NM_181500.4); short protein forms E283G, E290G, E313G, E318G, E327G, E329G.
Identifiers: ClinVar variation 4281976 (VCV004281976.1).